The following is an entry in ClinVar:

ClinVar aggregate classification (germline): Likely pathogenic (1 of 4 stars; one submission).

Conditions:
Telangiectasia, hereditary hemorrhagic, type 2 (HHT2). Also called: ACVRL1-Related Hereditary Hemorrhagic Telangiectasia; Telangiectasia, hereditary hemorrhagic, type II. Identifiers: Orphanet 774, MedGen C1838163, MONDO:0010880, OMIM 600376. Disease mechanism: loss of function.

Submission:

Labcorp Genetics (formerly Invitae), Labcorp
Classification: Likely pathogenic for Telangiectasia, hereditary hemorrhagic, type 2. Last evaluated: 2025-06-20. Review status: criteria provided, single submitter. Criteria: Invitae Variant Classification Sherloc (09022015). Collection method: clinical testing. Allele origin: germline.
Comment: This sequence change replaces histidine, which is basic and polar, with arginine, which is basic and polar, at codon 328 of the ACVRL1 protein (p.His328Arg). This variant is not present in population databases (gnomAD no frequency). This missense change has been observed in individual(s) with hereditary hemorrhagic telangiectasia (PMID: 25312062). ClinVar contains an entry for this variant (Variation ID: 2769764). Invitae Evidence Modeling of protein sequence and biophysical properties (such as structural, functional, and spatial information, amino acid conservation, physicochemical variation, residue mobility, and thermodynamic stability) indicates that this missense variant is expected to disrupt ACVRL1 protein function with a positive predictive value of 95%. This variant disrupts the p.His328 amino acid residue in ACVRL1. Other variant(s) that disrupt this residue have been determined to be pathogenic (PMID: 16470589, 20414677, 27077548, 29650961; internal data). This suggests that this residue is clinically significant, and that variants that disrupt this residue are likely to be disease-causing. In summary, the currently available evidence indicates that the variant is pathogenic, but additional data are needed to prove that conclusively. Therefore, this variant has been classified as Likely Pathogenic.

Literature cited by the submitters: PubMed 25312062; PubMed 16470589; PubMed 20414677; PubMed 27077548; PubMed 29650961.

NM_000020.3(ACVRL1):c.983A>G (p.His328Arg)

Gene: ACVRL1 (activin A receptor like type 1; plus strand). Cytogenetic location: 12q13.13.
Variant type: single nucleotide variant.
Coding change: c.983A>G on transcript NM_000020.3 (MANE Select); coding-DNA position 983, A replaced by G.
Protein change: p.His328Arg; replaces histidine 328 with arginine.
Molecular consequence: missense variant.
Genome position (GRCh38, 1-based): chr12:51,915,435, A>G. VCF-style: chr12-51915435-A-G. GRCh37 (hg19) VCF-style: chr12-52309219-A-G.
Other names: c.983A>G, p.His328Arg (NM_001077401.2, NM_001406487.1, NM_001406488.1 and 1 more transcripts); c.671A>G, p.His224Arg (NM_001406490.1, NM_001406491.1, NM_001406492.1 and 2 more transcripts); c.419A>G, p.His140Arg (NM_001406495.1); short protein forms H224R, H328R, H140R.
Identifiers: ClinVar variation 2769764 (VCV002769764.3), dbSNP rs2139073840, ClinGen allele CA384901432.